The following is an entry in ClinVar:

ClinVar aggregate classification (germline): Benign. Review status: criteria provided, multiple submitters, no conflicts (2 of 4 stars). 3 submissions from 3 submitters: Benign (3). Last evaluated 2021-10-25.

Conditions:
Aortic aneurysm, familial thoracic 8 (AAT8). Identifiers: MedGen C3809513, MONDO:0014187, OMIM 615436.

Allele frequency attached by ClinVar (database versions not stated): 1000 Genomes Project 30x 0.39944; 1000 Genomes Project 0.40296; TOPMed 0.45991; gnomAD 0.47979 and 0.48091; ESP Exome Variant Server 0.49300; ExAC 0.51739; gnomAD exomes 0.51818 and 0.57652.
gnomAD v4.1: 875,520 of 1,545,504 alleles (57%); highest among the groups gnomAD compares: Non-Finnish European, 61%; 255,424 homozygotes.

Submissions (3):

Genome-Nilou Lab
Classification: Benign for Aortic aneurysm, familial thoracic 8. Last evaluated: 2021-10-25. Review status: criteria provided, single submitter. Criteria: ACMG Guidelines, 2015. Collection method: clinical testing. Allele origin: germline. Affected: no.

GeneDx
Classification: Benign. Last evaluated: 2018-06-14. Review status: criteria provided, single submitter. Criteria: GeneDx Variant Classification (06012015). Collection method: clinical testing. Allele origin: germline. Affected: yes.
Comment: This variant is considered likely benign or benign based on one or more of the following criteria: it is a conservative change, it occurs at a poorly conserved position in the protein, it is predicted to be benign by multiple in silico algorithms, and/or has population frequency not consistent with disease.

Breakthrough Genomics
Classification: Benign. Review status: criteria provided, single submitter. Criteria: ACMG Guidelines, 2015. Collection method: not provided. Allele origin: germline. Inheritance: Autosomal dominant inheritance. Affected: yes.

NM_006258.4(PRKG1):c.1962+29G>A

Gene: PRKG1 (protein kinase cGMP-dependent 1; plus strand). Cytogenetic location: 10q21.1.
Variant type: single nucleotide variant.
Coding change: c.1962+29G>A on transcript NM_006258.4 (MANE Select); 29 bases into the intron after coding-DNA position 1962, G replaced by A.
Molecular consequence: intron variant.
Genome position (GRCh38, 1-based): chr10:52,290,319, G>A. VCF-style: chr10-52290319-G-A. GRCh37 (hg19) VCF-style: chr10-54050079-G-A.
Other names: c.1917+29G>A (NM_001098512.3).
Identifiers: ClinVar variation 674728 (VCV000674728.4), dbSNP rs10762675, ClinGen allele CA5503979.